The following is an entry in ClinVar:

NM_001048174.2(MUTYH):c.1001C>G (p.Ala334Gly)

Gene: MUTYH (mutY DNA glycosylase; minus strand). Cytogenetic location: 1p34.1.
Variant type: single nucleotide variant.
Coding change: c.1001C>G on transcript NM_001048174.2 (MANE Select); coding-DNA position 1001, C replaced by G.
Protein change: p.Ala334Gly; replaces alanine 334 with glycine.
Molecular consequence: missense variant. On other transcripts: non-coding transcript variant (7).
Genome position (GRCh38, 1-based): chr1:45,331,762, G>C on the plus strand (C>G on the coding strand, the complement: MUTYH is on the minus strand). VCF-style: chr1-45331762-G-C. GRCh37 (hg19) VCF-style: chr1-45797434-G-C.
Other names: c.1085C>G, p.Ala362Gly (NM_001128425.2); c.1046C>G, p.Ala349Gly (NM_001293190.2); c.1034C>G, p.Ala345Gly (NM_001293191.2, NM_001407069.1, NM_001407077.1); c.725C>G, p.Ala242Gly (NM_001293192.2, NM_001293196.2, NM_001407091.1); c.1001C>G, p.Ala334Gly (NM_001293195.2, NM_001407088.1, NM_001407089.1 and 6 more transcripts); c.656C>G, p.Ala219Gly (NM_001350650.2, NM_001350651.2, NM_001407082.1); c.1043C>G, p.Ala348Gly (NM_001407083.1, NM_001407085.1); c.1004C>G, p.Ala335Gly (NM_001407086.1, NM_001048172.2, NM_001407071.1 and 1 more transcripts); and 5 more; short protein forms A219G, A320G, A341G, A242G, A306G, A321G, A334G, A348G.
Identifiers: ClinVar variation 4112999 (VCV004112999.1).

ClinVar aggregate classification (germline): Uncertain significance (1 of 4 stars; one submission).

Conditions:
Hereditary cancer-predisposing syndrome. Also called: Tumor predisposition; Neoplastic Syndromes, Hereditary; Hereditary neoplastic syndrome; Hereditary Cancer Syndrome. Identifiers: Orphanet 140162, MedGen C0027672, MeSH D009386, MONDO:0015356.

gnomAD v4.1: 1 of 1,613,952 alleles (0.000062%); highest among the groups gnomAD compares: South Asian, 0.0011%; no homozygotes.

Submission:

Ambry Genetics
Classification: Uncertain significance for Hereditary cancer-predisposing syndrome. Last evaluated: 2025-08-27. Review status: criteria provided, single submitter. Criteria: Ambry Variant Classification Scheme 2023. Collection method: clinical testing. Allele origin: germline.
Comment: The p.A362G variant (also known as c.1085C>G), located in coding exon 12 of the MUTYH gene, results from a C to G substitution at nucleotide position 1085. The alanine at codon 362 is replaced by glycine, an amino acid with similar properties. This amino acid position is conserved. In addition, the in silico prediction for this alteration is inconclusive. Based on the available evidence, the clinical significance of this variant remains unclear.